The following is an entry in ClinVar:

ClinVar aggregate classification (germline): Uncertain significance. Review status: criteria provided, multiple submitters, no conflicts (2 of 4 stars). 2 submissions from 2 submitters: Uncertain significance (2). Last evaluated 2024-01-08.

Conditions:
Inborn genetic diseases. Identifiers: MedGen C0950123, MeSH D030342.

Allele frequency attached by ClinVar (database versions not stated): TOPMed 0.00002.

Submissions (2):

Ambry Genetics
Classification: Uncertain significance for Inborn genetic diseases. Last evaluated: 2024-01-08. Review status: criteria provided, single submitter. Criteria: Ambry Variant Classification Scheme 2023. Collection method: clinical testing. Allele origin: germline.

Labcorp Genetics (formerly Invitae), Labcorp
Classification: Uncertain significance. Last evaluated: 2022-04-18. Review status: criteria provided, single submitter. Criteria: Invitae Variant Classification Sherloc (09022015). Collection method: clinical testing. Allele origin: germline.
Comment: This sequence change replaces aspartic acid, which is acidic and polar, with asparagine, which is neutral and polar, at codon 229 of the HSD17B10 protein (p.Asp229Asn). This variant is not present in population databases (gnomAD no frequency). This variant has not been reported in the literature in individuals affected with HSD17B10-related conditions. Algorithms developed to predict the effect of missense changes on protein structure and function (SIFT, PolyPhen-2, Align-GVGD) all suggest that this variant is likely to be tolerated. In summary, the available evidence is currently insufficient to determine the role of this variant in disease. Therefore, it has been classified as a Variant of Uncertain Significance.

NM_004493.3(HSD17B10):c.685G>A (p.Asp229Asn)

Gene: HSD17B10 (hydroxysteroid 17-beta dehydrogenase 10; minus strand). Cytogenetic location: Xp11.22.
Variant type: single nucleotide variant.
Coding change: c.685G>A on transcript NM_004493.3 (MANE Select); coding-DNA position 685, G replaced by A.
Protein change: p.Asp229Asn; replaces aspartic acid 229 with asparagine.
Molecular consequence: missense variant.
Genome position (GRCh38, 1-based): chrX:53,431,505, C>T on the plus strand (G>A on the coding strand, the complement: HSD17B10 is on the minus strand). VCF-style: chrX-53431505-C-T. GRCh37 (hg19) VCF-style: chrX-53458453-C-T.
Other names: c.658G>A, p.Asp220Asn (NM_001037811.2); short protein forms D220N, D229N.
Identifiers: ClinVar variation 2163713 (VCV002163713.2), dbSNP rs931676673, ClinGen allele CA329176074.